The following is an entry in ClinVar:

ClinVar aggregate classification (germline): Uncertain significance (1 of 4 stars; one submission).

Conditions:
Progressive sclerosing poliodystrophy (MTDPS4A). Also called: Mitochondrial DNA depletion syndrome 4A (Alpers type); ALPERS DIFFUSE DEGENERATION OF CEREBRAL GRAY MATTER WITH HEPATIC CIRRHOSIS; Alpers-Huttenlocher Syndrome; Mitochondrial DNA Depletion Syndrome 4A; Alpers-Huttenlocher Syndrome (AHS); ALPERS PROGRESSIVE INFANTILE POLIODYSTROPHY. Identifiers: Orphanet 726, MedGen C0205710, MONDO:0008758, OMIM 203700.

Submission:

Labcorp Genetics (formerly Invitae), Labcorp
Classification: Uncertain significance for Progressive sclerosing poliodystrophy. Last evaluated: 2025-09-29. Review status: criteria provided, single submitter. Criteria: Invitae Variant Classification Sherloc (09022015). Collection method: clinical testing. Allele origin: germline.
Comment: This sequence change replaces tyrosine, which is neutral and polar, with cysteine, which is neutral and slightly polar, at codon 1139 of the POLG protein (p.Tyr1139Cys). This variant is not present in population databases (gnomAD no frequency). This variant has not been reported in the literature in individuals affected with POLG-related conditions. Invitae Evidence Modeling of protein sequence and biophysical properties (such as structural, functional, and spatial information, amino acid conservation, physicochemical variation, residue mobility, and thermodynamic stability) indicates that this missense variant is expected to disrupt POLG protein function with a positive predictive value of 95%. In summary, the available evidence is currently insufficient to determine the role of this variant in disease. Therefore, it has been classified as a Variant of Uncertain Significance.

NM_002693.3(POLG):c.3416A>G (p.Tyr1139Cys)

Gene: POLG (DNA polymerase gamma, catalytic subunit; minus strand). Cytogenetic location: 15q26.1.
Variant type: single nucleotide variant.
Coding change: c.3416A>G on transcript NM_002693.3 (MANE Select); coding-DNA position 3416, A replaced by G.
Protein change: p.Tyr1139Cys; replaces tyrosine 1139 with cysteine.
Molecular consequence: missense variant.
Genome position (GRCh38, 1-based): chr15:89,318,607, T>C on the plus strand (A>G on the coding strand, the complement: POLG is on the minus strand). VCF-style: chr15-89318607-T-C. GRCh37 (hg19) VCF-style: chr15-89861838-T-C.
Other names: c.3416A>G, p.Tyr1139Cys (NM_001126131.2); short protein forms Y1139C.
Identifiers: ClinVar variation 4780603 (VCV004780603.1).